The following is an entry in ClinVar:

NM_001371727.1(GABRB2):c.237G>A (p.Met79Ile)

Gene: GABRB2 (gamma-aminobutyric acid type A receptor subunit beta2; minus strand). Cytogenetic location: 5q34.
Variant type: single nucleotide variant.
Coding change: c.237G>A on transcript NM_001371727.1 (MANE Select); coding-DNA position 237, G replaced by A.
Protein change: p.Met79Ile; replaces methionine 79 with isoleucine.
Molecular consequence: missense variant.
Genome position (GRCh38, 1-based): chr5:161,545,227, C>T on the plus strand (G>A on the coding strand, the complement: GABRB2 is on the minus strand). VCF-style: chr5-161545227-C-T. GRCh37 (hg19) VCF-style: chr5-160972233-C-T.
Other names: c.237G>A, p.Met79Ile (NM_000813.3, NM_021911.3); short protein forms M79I.
Identifiers: ClinVar variation 2769034 (VCV002769034.3), dbSNP rs2480166549, ClinGen allele CA362172361.

ClinVar aggregate classification (germline): Uncertain significance (1 of 4 stars; one submission).

Conditions:
Intellectual disability. Also called: Intellectual functioning disability; intellectual disabilities; Intellectual developmental disorder. Identifiers: MedGen C3714756, MeSH D008607, MONDO:0001071, HP:0001249.

Submission:

Labcorp Genetics (formerly Invitae), Labcorp
Classification: Uncertain significance for Intellectual disability. Last evaluated: 2024-04-22. Review status: criteria provided, single submitter. Criteria: Invitae Variant Classification Sherloc (09022015). Collection method: clinical testing. Allele origin: germline.
Comment: This sequence change replaces methionine, which is neutral and non-polar, with isoleucine, which is neutral and non-polar, at codon 79 of the GABRB2 protein (p.Met79Ile). This variant also falls at the last nucleotide of exon 4, which is part of the consensus splice site for this exon. This variant is not present in population databases (gnomAD no frequency). This missense change has been observed in individual(s) with GABRB2-related conditions (Invitae). An algorithm developed to predict the effect of missense changes on protein structure and function (PolyPhen-2) suggests that this variant is likely to be disruptive. Variants that disrupt the consensus splice site are a relatively common cause of aberrant splicing (PMID: 17576681, 9536098). This variant disrupts the p.Met79 amino acid residue in GABRB2. Other variant(s) that disrupt this residue have been determined to be pathogenic (PMID: 25124326, 29100083). This suggests that this residue is clinically significant, and that variants that disrupt this residue are likely to be disease-causing. In summary, the available evidence is currently insufficient to determine the role of this variant in disease. Therefore, it has been classified as a Variant of Uncertain Significance.

Literature cited by the submitters: PubMed 17576681; PubMed 9536098; PubMed 25124326; PubMed 29100083.